The following is an entry in ClinVar:

ClinVar aggregate classification (germline): Likely benign (1 of 4 stars; one submission).

Conditions:
NRP2-related disorder. Also called: NRP2-related condition.

Submission:

PreventionGenetics, part of Exact Sciences
Classification: Likely benign for NRP2-related condition. Last evaluated: 2025-05-06. Review status: criteria provided, single submitter. Criteria: ACMG Guidelines, 2015. Collection method: clinical testing. Allele origin: germline.
Comment: This variant is classified as likely benign based on ACMG/AMP sequence variant interpretation guidelines (Richards et al. 2015 PMID: 25741868, with internal and published modifications).

NM_003872.3(NRP2):c.1701G>A (p.Pro567=)

Gene: NRP2 (neuropilin 2; plus strand). Cytogenetic location: 2q33.3.
Variant type: single nucleotide variant.
Coding change: c.1701G>A on transcript NM_003872.3 (MANE Select); coding-DNA position 1701, G replaced by A.
Protein change: p.Pro567=; no amino-acid change (proline 567 retained).
Molecular consequence: synonymous variant.
Genome position (GRCh38, 1-based): chr2:205,745,805, G>A. VCF-style: chr2-205745805-G-A. GRCh37 (hg19) VCF-style: chr2-206610529-G-A.
Other names: c.1701G>A, p.Pro567= (NM_018534.4, NM_201266.2, NM_201267.2 and 1 more transcripts).
Identifiers: ClinVar variation 4987974 (VCV004987974.1).